The following is an entry in ClinVar:

ClinVar aggregate classification (germline): Uncertain significance. Review status: criteria provided, multiple submitters, no conflicts (2 of 4 stars). 4 submissions from 4 submitters: Uncertain significance (4). Last evaluated 2026-10-07.

Conditions:
Cataract 41 (CTRCT41). Also called: CATARACT 41, CONGENITAL NUCLEAR TYPE. Identifiers: Orphanet 91492, Orphanet 98991, Orphanet 98992, Orphanet 98995, MedGen C3805412, MONDO:0007287, OMIM 116400.
Autosomal dominant nonsyndromic hearing loss 6 (LFSNHL). Also called: DEAFNESS, AUTOSOMAL DOMINANT 6; DEAFNESS, AUTOSOMAL DOMINANT 14; DEAFNESS, AUTOSOMAL DOMINANT 38; Autosomal dominant nonsyndromic deafness 6. Identifiers: Orphanet 90635, MedGen C1833021, MONDO:0010963, OMIM 600965.
Type 2 diabetes mellitus. Also called: Type II diabetes mellitus. Identifiers: MedGen C0011860, MeSH D003924, MONDO:0005148, OMIM 125853, HP:0005978.
Wolfram syndrome 1 (WFS1). Identifiers: Orphanet 3463, MedGen C4551693, MONDO:0009101, OMIM 222300.
Wolfram-like syndrome. Also called: HEARING LOSS, PROGRESSIVE, WITH OPTIC ATROPHY AND/OR IMPAIRED GLUCOSE REGULATION. Identifiers: Orphanet 411590, MedGen C3280358, MONDO:0013673, OMIM 614296.

Allele frequency attached by ClinVar (database versions not stated): ExAC 0.00002; TOPMed 0.00006; gnomAD exomes below 0.00001 and 0.00001; gnomAD 0.00003; ESP Exome Variant Server 0.00015.
gnomAD v4.1: 10 of 1,612,808 alleles (0.00062%); highest among the groups gnomAD compares: African/African-American, 0.012%; no homozygotes.

Submissions (4):

GeneDx
Classification: Uncertain significance. Last evaluated: 2026-10-07. Review status: criteria provided, single submitter. Criteria: GeneDx Variant Classification Process June 2021. Collection method: clinical testing. Allele origin: germline.
Comment: In silico analysis suggests that this missense variant does not alter protein structure/function; Has not been previously published as pathogenic or benign to our knowledge

Labcorp Genetics (formerly Invitae), Labcorp
Classification: Uncertain significance. Last evaluated: 2025-12-23. Review status: criteria provided, single submitter. Criteria: Invitae Variant Classification Sherloc (09022015). Collection method: clinical testing. Allele origin: germline.
Comment: This sequence change replaces proline, which is neutral and non-polar, with alanine, which is neutral and non-polar, at codon 764 of the WFS1 protein (p.Pro764Ala). This variant is present in population databases (rs377102310, gnomAD 0.01%). This variant has not been reported in the literature in individuals affected with WFS1-related conditions. ClinVar contains an entry for this variant (Variation ID: 1315881). Invitae Evidence Modeling of protein sequence and biophysical properties (such as structural, functional, and spatial information, amino acid conservation, physicochemical variation, residue mobility, and thermodynamic stability) indicates that this missense variant is not expected to disrupt WFS1 protein function with a negative predictive value of 95%. In summary, the available evidence is currently insufficient to determine the role of this variant in disease. Therefore, it has been classified as a Variant of Uncertain Significance.

Fulgent Genetics
Classification: Uncertain significance for Cataract 41; Type 2 diabetes mellitus; Wolfram syndrome 1; Autosomal dominant nonsyndromic hearing loss 6; Wolfram-like syndrome. Last evaluated: 2021-12-13. Review status: criteria provided, single submitter. Criteria: ACMG Guidelines, 2015. Collection method: clinical testing. Allele origin: unknown.

Revvity Omics, Revvity
Classification: Uncertain significance. Last evaluated: 2021-08-02. Review status: criteria provided, single submitter. Criteria: ACMG Guidelines, 2015. Collection method: clinical testing. Allele origin: germline.

NM_006005.3(WFS1):c.2290C>G (p.Pro764Ala)

Gene: WFS1 (wolframin ER transmembrane glycoprotein; plus strand). Cytogenetic location: 4p16.1.
Variant type: single nucleotide variant.
Coding change: c.2290C>G on transcript NM_006005.3 (MANE Select); coding-DNA position 2290, C replaced by G.
Protein change: p.Pro764Ala; replaces proline 764 with alanine.
Molecular consequence: missense variant.
Genome position (GRCh38, 1-based): chr4:6,302,085, C>G. VCF-style: chr4-6302085-C-G. GRCh37 (hg19) VCF-style: chr4-6303812-C-G.
Other names: c.2290C>G, p.Pro764Ala (NM_001145853.1); short protein forms P764A.
Identifiers: ClinVar variation 1315881 (VCV001315881.10), dbSNP rs377102310, ClinGen allele CA2839676.